The following is an entry in ClinVar:

NM_001009999.3(KDM1A):c.144C>A (p.Ala48=)

Gene: KDM1A (lysine demethylase 1A; plus strand). Cytogenetic location: 1p36.12.
Variant type: single nucleotide variant.
Coding change: c.144C>A on transcript NM_001009999.3 (MANE Select); coding-DNA position 144, C replaced by A.
Protein change: p.Ala48=; no amino-acid change (alanine 48 retained).
Molecular consequence: synonymous variant.
Genome position (GRCh38, 1-based): chr1:23,019,740, C>A. VCF-style: chr1-23019740-C-A. GRCh37 (hg19) VCF-style: chr1-23346233-C-A.
Other names: c.144C>A (NM_001009999.2); c.144C>A, p.Ala48= (NM_001363654.2, NM_001410762.1, NM_001410763.1 and 1 more transcripts).
Identifiers: ClinVar variation 3700676 (VCV003700676.5).

ClinVar aggregate classification (germline): Likely benign. Review status: criteria provided, multiple submitters, no conflicts (2 of 4 stars). 3 submissions from 3 submitters: Likely benign (3). Last evaluated 2026-04-01.

Conditions:
Inborn genetic diseases. Identifiers: MedGen C0950123, MeSH D030342.

gnomAD v4.1: 1 of 1,334,554 alleles (0.000075%); highest among the groups gnomAD compares: Admixed American, 0.0042%; no homozygotes.

Submissions (3):

CeGaT Center for Human Genetics Tuebingen
Classification: Likely benign. Last evaluated: 2026-04-01. Review status: criteria provided, single submitter. Criteria: CeGaT Center For Human Genetics Tuebingen Variant Classification Criteria Version 2. Collection method: clinical testing. Allele origin: germline. Affected: yes. Observed: 1 variant allele.
Comment: KDM1A: BP4, BP7

Ambry Genetics
Classification: Likely benign for Inborn genetic diseases. Last evaluated: 2025-03-18. Review status: criteria provided, single submitter. Criteria: Ambry Variant Classification Scheme 2023. Collection method: clinical testing. Allele origin: germline.

Labcorp Genetics (formerly Invitae), Labcorp
Classification: Likely benign. Last evaluated: 2024-03-14. Review status: criteria provided, single submitter. Criteria: Invitae Variant Classification Sherloc (09022015). Collection method: clinical testing. Allele origin: germline.